The following is an entry in ClinVar:

ClinVar aggregate classification (germline): Uncertain significance (1 of 4 stars; one submission).

Submission:

Labcorp Genetics (formerly Invitae), Labcorp
Classification: Uncertain significance. Last evaluated: 2026-01-19. Review status: criteria provided, single submitter. Criteria: Invitae Variant Classification Sherloc (09022015). Collection method: clinical testing. Allele origin: germline.
Comment: This sequence change replaces asparagine, which is neutral and polar, with serine, which is neutral and polar, at codon 783 of the CSF2RB protein (p.Asn783Ser). This variant is not present in population databases (gnomAD no frequency). This variant has not been reported in the literature in individuals affected with CSF2RB-related conditions. ClinVar contains an entry for this variant (Variation ID: 2790734). Invitae Evidence Modeling of protein sequence and biophysical properties (such as structural, functional, and spatial information, amino acid conservation, physicochemical variation, residue mobility, and thermodynamic stability) indicates that this missense variant is not expected to disrupt CSF2RB protein function with a negative predictive value of 80%. In summary, the available evidence is currently insufficient to determine the role of this variant in disease. Therefore, it has been classified as a Variant of Uncertain Significance.

NM_000395.3(CSF2RB):c.2348A>G (p.Asn783Ser)

Gene: CSF2RB (colony stimulating factor 2 receptor subunit beta; plus strand). Cytogenetic location: 22q12.3.
Variant type: single nucleotide variant.
Coding change: c.2348A>G on transcript NM_000395.3 (MANE Select); coding-DNA position 2348, A replaced by G.
Protein change: p.Asn783Ser; replaces asparagine 783 with serine.
Molecular consequence: missense variant.
Genome position (GRCh38, 1-based): chr22:36,938,156, A>G. VCF-style: chr22-36938156-A-G. GRCh37 (hg19) VCF-style: chr22-37334198-A-G.
Other names: c.2366A>G, p.Asn789Ser (NM_001410827.1); short protein forms N789S, N783S.
Identifiers: ClinVar variation 2790734 (VCV002790734.3), dbSNP rs2518011164, ClinGen allele CA411411319.